The following is an entry in ClinVar:

NM_000551.4(VHL):c.464-16G>A

Genes: VHL (von Hippel-Lindau tumor suppressor; plus strand), LOC107303340 (3p25 von Hippel-Lindau tumor suppressor, E3 ubiquitin protein ligase Alu-mediated recombination region; plus strand). Cytogenetic location: 3p25.3.
Variant type: single nucleotide variant.
Coding change: c.464-16G>A on transcript NM_000551.4 (MANE Select); 16 bases into the intron before coding-DNA position 464, G replaced by A.
Molecular consequence: intron variant.
Genome position (GRCh38, 1-based): chr3:10,149,771, G>A. VCF-style: chr3-10149771-G-A. GRCh37 (hg19) VCF-style: chr3-10191455-G-A.
Other names: c.*18-16G>A (NM_001354723.2); c.341-16G>A (NM_198156.3).
Identifiers: ClinVar variation 2043134 (VCV002043134.5), dbSNP rs1453921703, ClinGen allele CA2580068472.

ClinVar aggregate classification (germline): Likely benign. Review status: criteria provided, multiple submitters, no conflicts (2 of 4 stars). 2 submissions from 2 submitters: Likely benign (2). Last evaluated 2025-06-12.

Conditions:
Von Hippel-Lindau syndrome (VHLS). Also called: Von Hippel-Lindau; von Hippel–Lindau syndrome; VHL syndrome. Identifiers: Orphanet 892, MedGen C0019562, MONDO:0008667, OMIM 193300. Disease mechanism: loss of function.
Chuvash polycythemia. Also called: POLYCYTHEMIA, VHL-DEPENDENT. Identifiers: Orphanet 238557, MedGen C1837915, MONDO:0009892, OMIM 263400.

Submissions (2):

Myriad Genetics, Inc.
Classification: Likely benign for Von Hippel-Lindau syndrome. Last evaluated: 2025-06-12. Review status: criteria provided, single submitter. Criteria: Myriad Autosomal Dominant, Autosomal Recessive and X-Linked Classification Criteria (2023). Collection method: clinical testing. Allele origin: unknown.
Comment: This variant is considered likely benign. This variant is intronic and is not expected to impact mRNA splicing.

Labcorp Genetics (formerly Invitae), Labcorp
Classification: Likely benign for Von Hippel-Lindau syndrome; Chuvash polycythemia. Last evaluated: 2024-12-05. Review status: criteria provided, single submitter. Criteria: Invitae Variant Classification Sherloc (09022015). Collection method: clinical testing. Allele origin: germline.